The following is an entry in ClinVar:

NM_000043.6(FAS):c.32T>C (p.Val11Ala)

Gene: FAS (Fas cell surface death receptor; plus strand). Cytogenetic location: 10q23.31.
Variant type: single nucleotide variant.
Coding change: c.32T>C on transcript NM_000043.6 (MANE Select); coding-DNA position 32, T replaced by C.
Protein change: p.Val11Ala; replaces valine 11 with alanine.
Molecular consequence: missense variant. On other transcripts: non-coding transcript variant (7).
Genome position (GRCh38, 1-based): chr10:89,003,030, T>C. VCF-style: chr10-89003030-T-C. GRCh37 (hg19) VCF-style: chr10-90762787-T-C.
Other names: c.32T>C, p.Val11Ala (NM_001320619.2, NM_152871.4, NM_152872.4); c.77T>C, p.Val26Ala (NM_001410956.1); short protein forms V11A, V26A.
Identifiers: ClinVar variation 3013405 (VCV003013405.3), dbSNP rs761692893, ClinGen allele CA5593017.

ClinVar aggregate classification (germline): Uncertain significance (1 of 4 stars; one submission).

Conditions:
Autoimmune lymphoproliferative syndrome type 1. Also called: AUTOIMMUNE LYMPHOPROLIFERATIVE SYNDROME, TYPE I, AUTOSOMAL DOMINANT. Identifiers: Orphanet 3261, MedGen C2717884, MONDO:0011158, OMIM 601859.

Allele frequency attached by ClinVar (database versions not stated): gnomAD exomes 0.00001; gnomAD 0.00001; ExAC 0.00001.
gnomAD v4.1: 16 of 1,614,020 alleles (0.00099%); highest among the groups gnomAD compares: Non-Finnish European, 0.0013%; no homozygotes.

Submission:

Labcorp Genetics (formerly Invitae), Labcorp
Classification: Uncertain significance for Autoimmune lymphoproliferative syndrome. Last evaluated: 2022-11-05. Review status: criteria provided, single submitter. Criteria: Invitae Variant Classification Sherloc (09022015). Collection method: clinical testing. Allele origin: germline.
Comment: Algorithms developed to predict the effect of missense changes on protein structure and function are either unavailable or do not agree on the potential impact of this missense change (SIFT: "Not Available"; PolyPhen-2: "Benign"; Align-GVGD: "Not Available"). This variant has not been reported in the literature in individuals affected with FAS-related conditions. This variant is present in population databases (rs761692893, gnomAD 0.0009%). This sequence change replaces valine, which is neutral and non-polar, with alanine, which is neutral and non-polar, at codon 11 of the FAS protein (p.Val11Ala). In summary, the available evidence is currently insufficient to determine the role of this variant in disease. Therefore, it has been classified as a Variant of Uncertain Significance.